The following is an entry in ClinVar:

ClinVar aggregate classification (germline): Pathogenic (1 of 4 stars; one submission).

Submission:

Labcorp Genetics (formerly Invitae), Labcorp
Classification: Pathogenic. Last evaluated: 2023-02-15. Review status: criteria provided, single submitter. Criteria: Invitae Variant Classification Sherloc (09022015). Collection method: clinical testing. Allele origin: unknown.
Comment: This variant is a gross deletion of the genomic region encompassing exon(s) 1-23 of the TONSL gene, which includes the initiator codon. This deletion extends beyond the assayed region for this gene and therefore may encompass additional genes. It is expected to result in an absent or disrupted protein product. Loss-of-function variants in TONSL are known to be pathogenic (PMID: 30773277). This variant has not been reported in the literature in individuals affected with TONSL-related conditions. For these reasons, this variant has been classified as Pathogenic.

Literature cited by the submitters: PubMed 30773277.

NC_000008.10:g.(?_145657648)_(145669797_?)del

Gene: TONSL (tonsoku like, DNA repair protein; minus strand). Cytogenetic location: 8q24.3.
Variant type: Deletion.
Identifiers: ClinVar variation 3245579 (VCV003245579.1).